The following is an entry in ClinVar:

ClinVar aggregate classification (germline): Uncertain significance (1 of 4 stars; one submission).

Submission:

GeneDx
Classification: Uncertain significance. Last evaluated: 2019-10-29. Review status: criteria provided, single submitter. Criteria: GeneDx Variant Classification Process June 2021. Collection method: clinical testing. Allele origin: germline. Affected: yes.
Comment: Not observed in large population cohorts (Lek et al., 2016); In silico analysis, which includes protein predictors and evolutionary conservation, supports that this variant does not alter protein structure/function; Identified in a control individual in a multiple system atrophy study in the published literature (Segarane et al., 2009); This variant is associated with the following publications: (PMID: 25099932, 19332698)

NM_000157.4(GBA1):c.1489G>C (p.Val497Leu)

Genes: GBA1 (glucosylceramidase beta 1; minus strand), LOC106627981 (GBA recombination region; plus strand). Cytogenetic location: 1q22.
Variant type: single nucleotide variant.
Coding change: c.1489G>C on transcript NM_000157.4 (MANE Select); coding-DNA position 1489, G replaced by C.
Protein change: p.Val497Leu; replaces valine 497 with leucine.
Molecular consequence: missense variant.
Genome position (GRCh38, 1-based): chr1:155,235,211, C>G on the plus strand (G>C on the coding strand, the complement: GBA1 is on the minus strand). VCF-style: chr1-155235211-C-G. GRCh37 (hg19) VCF-style: chr1-155205002-C-G.
Other names: c.1489G>C, p.Val497Leu (NM_001005741.3, NM_001005742.3); c.1228G>C, p.Val410Leu (NM_001171811.2); c.1342G>C, p.Val448Leu (NM_001171812.2); short protein forms V410L, V448L, V497L.
Identifiers: ClinVar variation 1309398 (VCV001309398.2), dbSNP rs1180779465, ClinGen allele CA342711004.